The following is an entry in ClinVar:

ClinVar aggregate classification (germline): Uncertain significance (1 of 4 stars; one submission).

Conditions:
RYR1-related disorder. Also called: RYR1-related condition; RYR1-related disorders. Identifiers: MedGen CN239331.

Submission:

Labcorp Genetics (formerly Invitae), Labcorp
Classification: Uncertain significance for RYR1-related disorder. Last evaluated: 2022-06-20. Review status: criteria provided, single submitter. Criteria: Invitae Variant Classification Sherloc (09022015). Collection method: clinical testing. Allele origin: germline.
Comment: In summary, the available evidence is currently insufficient to determine the role of this variant in disease. Therefore, it has been classified as a Variant of Uncertain Significance. Advanced modeling of protein sequence and biophysical properties (such as structural, functional, and spatial information, amino acid conservation, physicochemical variation, residue mobility, and thermodynamic stability) performed at Invitae indicates that this missense variant is not expected to disrupt RYR1 protein function. This variant has not been reported in the literature in individuals affected with RYR1-related conditions. This variant is not present in population databases (gnomAD no frequency). This sequence change replaces leucine, which is neutral and non-polar, with phenylalanine, which is neutral and non-polar, at codon 3890 of the RYR1 protein (p.Leu3890Phe).

NM_000540.3(RYR1):c.11668C>T (p.Leu3890Phe)

Gene: RYR1 (ryanodine receptor 1; plus strand). Cytogenetic location: 19q13.2.
Variant type: single nucleotide variant.
Coding change: c.11668C>T on transcript NM_000540.3 (MANE Select); coding-DNA position 11668, C replaced by T.
Protein change: p.Leu3890Phe; replaces leucine 3890 with phenylalanine.
Molecular consequence: missense variant.
Genome position (GRCh38, 1-based): chr19:38,537,939, C>T. VCF-style: chr19-38537939-C-T. GRCh37 (hg19) VCF-style: chr19-39028579-C-T.
Other names: c.11653C>T, p.Leu3885Phe (NM_001042723.2); short protein forms L3890F, L3885F.
Identifiers: ClinVar variation 1472606 (VCV001472606.8), dbSNP rs779991914, ClinGen allele CA405658476.